The following is an entry in ClinVar:

ClinVar aggregate classification (germline): Uncertain significance (1 of 4 stars; one submission).

Conditions:
Hereditary cancer-predisposing syndrome. Also called: Neoplastic Syndromes, Hereditary; Hereditary Cancer Syndrome; Hereditary neoplastic syndrome; Tumor predisposition. Identifiers: Orphanet 140162, MedGen C0027672, MeSH D009386, MONDO:0015356.

Submission:

Ambry Genetics
Classification: Uncertain significance for Hereditary cancer-predisposing syndrome. Last evaluated: 2023-04-11. Review status: criteria provided, single submitter. Criteria: Ambry Variant Classification Scheme 2023. Collection method: clinical testing. Allele origin: germline.
Comment: The p.A464T variant (also known as c.1390G>A), located in coding exon 13 of the FANCC gene, results from a G to A substitution at nucleotide position 1390. The alanine at codon 464 is replaced by threonine, an amino acid with similar properties. This amino acid position is conserved. In addition, this alteration is predicted to be tolerated by in silico analysis. Since supporting evidence is limited at this time, the clinical significance of this alteration remains unclear.

NM_000136.3(FANCC):c.1390G>A (p.Ala464Thr)

Genes: FANCC (FA complementation group C; minus strand), AOPEP (aminopeptidase O (putative); plus strand). Cytogenetic location: 9q22.32.
Variant type: single nucleotide variant.
Coding change: c.1390G>A on transcript NM_000136.3 (MANE Select); coding-DNA position 1390, G replaced by A.
Protein change: p.Ala464Thr; replaces alanine 464 with threonine.
Molecular consequence: missense variant.
Genome position (GRCh38, 1-based): chr9:95,107,209, C>T on the plus strand (G>A on the coding strand, the complement: FANCC is on the minus strand). VCF-style: chr9-95107209-C-T. GRCh37 (hg19) VCF-style: chr9-97869491-C-T.
Other names: c.1390G>A, p.Ala464Thr (NM_001243743.2); short protein forms A464T.
Identifiers: ClinVar variation 2565544 (VCV002565544.2), dbSNP rs2540809795, ClinGen allele CA374106156.